The following is an entry in ClinVar:

NM_001005273.3(CHD3):c.3322GGT[1] (p.Gly1109del)

Gene: CHD3 (chromodomain helicase DNA binding protein 3; plus strand). Cytogenetic location: 17p13.1.
Variant type: Microsatellite.
Coding change: c.3322GGT[1] on transcript NM_001005273.3 (MANE Select); one copy of the 3-base unit GGT starting at c.3322; the reference has two copies in a row; one copy, 3 bases deleted; also written c.3325_3327del.
Protein change: p.Gly1109del; deletes glycine 1109.
Molecular consequence: inframe deletion.
Genome position (GRCh38, 1-based): chr17:7,902,682-7,902,684, GGT deleted; deleting any 3 consecutive bases within chr17:7,902,678-7,902,684 gives the same sequence; the position shown is the placement nearest the transcript's 3' end. VCF-style (leftmost placement, unchanged base first): chr17-7902677-ATGG-A. GRCh37 (hg19) VCF-style: chr17-7805995-ATGG-A.
Other names: c.3499GGT[1], p.Gly1168del (NM_001005271.3); c.3322GGT[1], p.Gly1109del (NM_005852.4); c.3325_3327del (NM_001005273.2); short protein forms G1109del, G1168del.
Identifiers: ClinVar variation 549734 (VCV000549734.2), dbSNP rs1567859975, ClinGen allele CA891843609.

ClinVar aggregate classification (germline): Uncertain significance. Review status: criteria provided, single submitter (1 of 4 stars). 2 submissions from 2 submitters: Uncertain significance (1). 1 of the submissions does not count toward it. Last evaluated 2019-02-19.

Conditions:
Snijders Blok-Campeau syndrome. Also called: INTELLECTUAL DEVELOPMENTAL DISORDER WITH MACROCEPHALY, SPEECH DELAY, AND DYSMORPHIC FACIES. Identifiers: Orphanet 599082, MedGen C4748701, MONDO:0032600, OMIM 618205.
Intellectual disability. Also called: Intellectual functioning disability; intellectual disabilities; Intellectual developmental disorder. Identifiers: MedGen C3714756, MeSH D008607, MONDO:0001071, HP:0001249.

Submissions (2):

SIB Swiss Institute of Bioinformatics
Classification: Uncertain significance for Snijders Blok-Campeau syndrome. Last evaluated: 2019-02-19. Review status: criteria provided, single submitter. Criteria: ACMG Guidelines, 2015. Collection method: curation. Allele origin: unknown.
Comment: This variant is interpreted as a Uncertain significance for Snijders Blok-Campeau syndrome, autosomal dominant. The following ACMG Tag(s) were applied: PM2 : Absent from controls (or at extremely low frequency if recessive) in Exome Sequencing Project, 1000 Genomes Project, or Exome Aggregation Consortium. PM6 :Assumed de novo, but without confirmation of paternity and maternity (PMID:30397230). PM1-supporting : PM1 downgraded in strength to Supporting.

CHU Sainte-Justine Research Center, University of Montreal
Classification: Likely pathogenic for Intellectual disability. Last evaluated: 2018-05-03. Review status: no assertion criteria provided. Collection method: research. Allele origin: germline. Affected: yes. Not counted in ClinVar's aggregate classification.

Literature cited by the submitters: PubMed 30397230 (cited by SIB Swiss Institute of Bioinformatics).